The following is an entry in ClinVar:

NM_212482.4(FN1):c.311A>G (p.Asn104Ser)

Genes: FN1 (fibronectin 1; minus strand), LOC126806499 (CDK7 strongly-dependent group 2 enhancer GRCh37_chr2:216298103-216299302; plus strand). Cytogenetic location: 2q35.
Variant type: single nucleotide variant.
Coding change: c.311A>G on transcript NM_212482.4 (MANE Select); coding-DNA position 311, A replaced by G.
Protein change: p.Asn104Ser; replaces asparagine 104 with serine.
Molecular consequence: missense variant.
Genome position (GRCh38, 1-based): chr2:215,433,428, T>C on the plus strand (A>G on the coding strand, the complement: FN1 is on the minus strand). VCF-style: chr2-215433428-T-C. GRCh37 (hg19) VCF-style: chr2-216298151-T-C.
Other names: c.311A>G, p.Asn104Ser (NM_001306129.2, NM_001306130.2, NM_001306131.2 and 14 more transcripts); short protein forms N104S.
Identifiers: ClinVar variation 4814079 (VCV004814079.1).

ClinVar aggregate classification (germline): Uncertain significance (1 of 4 stars; one submission).

Conditions:
Spondylometaphyseal dysplasia - Sutcliffe type. Also called: Spondylometaphyseal Dysplasia, Corner Fracture Type; Sutcliffe type of spondylometaphyseal dysplasia; Sutcliffe SMD; Spondylometaphyseal dysplasia, 'corner fracture' type. Identifiers: Orphanet 93315, MedGen C0432221, MONDO:0008479, OMIM 184255.

Submission:

OLLIN Analises Genomicas, OLLIN
Classification: Uncertain significance for Spondylometaphyseal dysplasia - Sutcliffe type. Last evaluated: 2026-02-13. Review status: criteria provided, single submitter. Criteria: ACMG Guidelines 2015 PMID 25741868. Collection method: clinical testing. Allele origin: germline. Observed: 1 variant allele.
Comment: PM2_P, BP4_M